The following is an entry in ClinVar:

NM_000297.4(PKD2):c.1098G>C (p.Trp366Cys)

Gene: PKD2 (polycystin 2, transient receptor potential cation channel; plus strand). Cytogenetic location: 4q22.1.
Variant type: single nucleotide variant.
Coding change: c.1098G>C on transcript NM_000297.4 (MANE Select); coding-DNA position 1098, G replaced by C.
Protein change: p.Trp366Cys; replaces tryptophan 366 with cysteine.
Molecular consequence: missense variant. On other transcripts: non-coding transcript variant (1).
Genome position (GRCh38, 1-based): chr4:88,043,236, G>C. VCF-style: chr4-88043236-G-C. GRCh37 (hg19) VCF-style: chr4-88964388-G-C.
Other names: short protein forms W366C.
Identifiers: ClinVar variation 3780397 (VCV003780397.2).

ClinVar aggregate classification (germline): Uncertain significance. Review status: criteria provided, multiple submitters, no conflicts (2 of 4 stars). 2 submissions from 2 submitters: Uncertain significance (2). Last evaluated 2025-05-27.

Conditions:
Polycystic kidney disease 2 (PKD2). Also called: POLYCYSTIC KIDNEY DISEASE 2 WITH OR WITHOUT POLYCYSTIC LIVER DISEASE; POLYCYSTIC KIDNEY DISEASE, ADULT, TYPE II; Polycystic Kidney Disease 2, Autosomal Dominant. Identifiers: MedGen C2751306, MONDO:0013131, OMIM 613095.

Submissions (2):

Women's Health and Genetics/Laboratory Corporation of America, LabCorp
Classification: Uncertain significance. Last evaluated: 2025-05-27. Review status: criteria provided, single submitter. Criteria: LabCorp Variant Classification Summary - May 2015. Collection method: clinical testing. Allele origin: germline.
Comment: Variant summary: PKD2 c.1098G>C (p.Trp366Cys) results in a non-conservative amino acid change in the encoded protein sequence. Algorithms developed to predict the effect of missense changes on protein structure and function all suggest that this variant is likely to be disruptive. The variant was absent in 248820 control chromosomes. The available data on variant occurrences in the general population are insufficient to allow any conclusion about variant significance. To our knowledge, no occurrence of c.1098G>C in individuals affected with Polycystic Kidney Disease 2 and no experimental evidence demonstrating its impact on protein function have been reported. ClinVar contains an entry for this variant (Variation ID: 3780397). Based on the evidence outlined above, the variant was classified as uncertain significance.

Department of Pathology and Laboratory Medicine, Sinai Health System
Classification: Uncertain significance for Polycystic kidney disease 2. Last evaluated: 2022-04-20. Review status: criteria provided, single submitter. Criteria: ACMG Guidelines, 2015. Collection method: clinical testing. Allele origin: germline. Affected: yes.